The following is an entry in ClinVar:

NM_000180.4(GUCY2D):c.711C>T (p.Pro237=)

Gene: GUCY2D (guanylate cyclase 2D, retinal; plus strand). Cytogenetic location: 17p13.1.
Variant type: single nucleotide variant.
Coding change: c.711C>T on transcript NM_000180.4 (MANE Select); coding-DNA position 711, C replaced by T.
Protein change: p.Pro237=; no amino-acid change (proline 237 retained).
Molecular consequence: synonymous variant.
Genome position (GRCh38, 1-based): chr17:8,003,758, C>T. VCF-style: chr17-8003758-C-T. GRCh37 (hg19) VCF-style: chr17-7907076-C-T.
Identifiers: ClinVar variation 2147827 (VCV002147827.8), dbSNP rs750484873, ClinGen allele CA8365541.

ClinVar aggregate classification (germline): Likely benign. Review status: criteria provided, multiple submitters, no conflicts (2 of 4 stars). 2 submissions from 2 submitters: Likely benign (2). Last evaluated 2026-03-01.

Conditions:
Cone-rod dystrophy 6 (CORD6). Also called: RETINAL CONE DYSTROPHY 2; Cone dystrophy progressive. Identifiers: Orphanet 1872, MedGen C1866293, MONDO:0011143, OMIM 601777.
Leber congenital amaurosis 1 (LCA1). Also called: RETINAL BLINDNESS, CONGENITAL; Congenital absence of the rods and cones; Leber's congenital tapetoretinal degeneration; Leber's congenital tapetoretinal dysplasia; AMAUROSIS CONGENITA OF LEBER I. Identifiers: Orphanet 65, MedGen C2931258, MONDO:0008764, OMIM 204000.

gnomAD v4.1: 9 of 1,599,428 alleles (0.00056%); highest among the groups gnomAD compares: South Asian, 0.0055%; no homozygotes.

Submissions (2):

CeGaT Center for Human Genetics Tuebingen
Classification: Likely benign. Last evaluated: 2026-03-01. Review status: criteria provided, single submitter. Criteria: CeGaT Center For Human Genetics Tuebingen Variant Classification Criteria Version 2. Collection method: clinical testing. Allele origin: germline. Affected: yes. Observed: 1 variant allele.
Comment: GUCY2D: BP4, BP7

Labcorp Genetics (formerly Invitae), Labcorp
Classification: Likely benign for Leber congenital amaurosis 1; Cone-rod dystrophy 6. Last evaluated: 2025-02-24. Review status: criteria provided, single submitter. Criteria: Invitae Variant Classification Sherloc (09022015). Collection method: clinical testing. Allele origin: germline.